The following is an entry in ClinVar:

NM_001197104.2(KMT2A):c.6686C>T (p.Ser2229Leu)

Gene: KMT2A (lysine methyltransferase 2A; plus strand). Cytogenetic location: 11q23.3.
Variant type: single nucleotide variant.
Coding change: c.6686C>T on transcript NM_001197104.2 (MANE Select); coding-DNA position 6686, C replaced by T.
Protein change: p.Ser2229Leu; replaces serine 2229 with leucine.
Molecular consequence: missense variant.
Genome position (GRCh38, 1-based): chr11:118,502,578, C>T. VCF-style: chr11-118502578-C-T. GRCh37 (hg19) VCF-style: chr11-118373293-C-T.
Other names: c.6776C>T, p.Ser2259Leu (NM_001412597.1); c.6677C>T, p.Ser2226Leu (NM_005933.4); short protein forms S2226L, S2259L, S2229L.
Identifiers: ClinVar variation 1969105 (VCV001969105.5), dbSNP rs2134385279, ClinGen allele CA382802687.
Genomic context (GRCh38, chr11:118,502,578, plus strand): 5'-AACTCCGGATAATGTCTCCAATGAGAACTGGGAATACTTACTCTAGGAATAATGTTTCCT[C>T]AGTCTCCACCACCGGGACCGCTACTGATCTTGAATCAAGTGCCAAAGTAGTTGATCATGT-3'
Protein context (NP_001184033.1, residues 2219-2239): GNTYSRNNVS[Ser2229Leu]VSTTGTATDL

ClinVar aggregate classification (germline): Uncertain significance (1 of 4 stars; one submission).

Submission:

Labcorp Genetics (formerly Invitae), Labcorp
Classification: Uncertain significance. Last evaluated: 2021-12-08. Review status: criteria provided, single submitter. Criteria: Invitae Variant Classification Sherloc (09022015). Collection method: clinical testing. Allele origin: germline.
Comment: This sequence change replaces serine, which is neutral and polar, with leucine, which is neutral and non-polar, at codon 2229 of the KMT2A protein (p.Ser2229Leu). This variant is not present in population databases (gnomAD no frequency). This variant has not been reported in the literature in individuals affected with KMT2A-related conditions. Advanced modeling of protein sequence and biophysical properties (such as structural, functional, and spatial information, amino acid conservation, physicochemical variation, residue mobility, and thermodynamic stability) performed at Invitae indicates that this missense variant is not expected to disrupt KMT2A protein function. In summary, the available evidence is currently insufficient to determine the role of this variant in disease. Therefore, it has been classified as a Variant of Uncertain Significance.